The following is an entry in ClinVar:

NM_001267550.2(TTN):c.26223G>A (p.Lys8741=)

Gene: TTN (titin; minus strand). Cytogenetic location: 2q31.2.
Variant type: single nucleotide variant.
Coding change: c.26223G>A on transcript NM_001267550.2 (MANE Select); coding-DNA position 26223, G replaced by A.
Protein change: p.Lys8741=; no amino-acid change (lysine 8741 retained).
Molecular consequence: synonymous variant. On other transcripts: intron variant (3).
Genome position (GRCh38, 1-based): chr2:178,714,551, C>T on the plus strand (G>A on the coding strand, the complement: TTN is on the minus strand). VCF-style: chr2-178714551-C-T. GRCh37 (hg19) VCF-style: chr2-179579278-C-T.
Other names: c.25272G>A, p.Lys8424= (NM_001256850.1); c.22491G>A, p.Lys7497= (NM_133378.4); c.13282+23531G>A (NM_003319.4); c.13858+23531G>A (NM_133437.4); c.13657+23531G>A (NM_133432.3).
Identifiers: ClinVar variation 3026565 (VCV003026565.22), dbSNP rs2529045215, ClinGen allele CA430113912.
Genomic context (GRCh38, chr2:178,714,551, plus strand): 5'-GCCTTCAATGGTAGTCTGCAGCTGAACTTCTTTACCAACGACAGTAGATATGTCACTGAG[C>T]TTCTTCACAAATCTTGGTGGTGCTGATGAAAAAGGAGGAAAGCCTGGGTTTTAAAATTTG-3'
Protein context (NP_001254479.2, residues 8731-8751): ALKAPPRFVK[Lys8741=]LSDISTVVGK

ClinVar aggregate classification (germline): Likely benign (1 of 4 stars; one submission).

Submission:

CeGaT Center for Human Genetics Tuebingen
Classification: Likely benign. Last evaluated: 2024-01-01. Review status: criteria provided, single submitter. Criteria: CeGaT Center For Human Genetics Tuebingen Variant Classification Criteria Version 2. Collection method: clinical testing. Allele origin: germline. Affected: yes. Observed: 1 variant allele.
Comment: TTN: PM2:Supporting, BP4, BP7